The following is an entry in ClinVar:

NM_001142966.3(GREB1L):c.783C>T (p.Thr261=)

Genes: GREB1L (GREB1 like retinoic acid receptor coactivator; plus strand), GREB1L-AS1 (GREB1L antisense RNA 1; minus strand). Cytogenetic location: 18q11.1.
Variant type: single nucleotide variant.
Coding change: c.783C>T on transcript NM_001142966.3 (MANE Select); coding-DNA position 783, C replaced by T.
Protein change: p.Thr261=; no amino-acid change (threonine 261 retained).
Molecular consequence: synonymous variant.
Genome position (GRCh38, 1-based): chr18:21,403,945, C>T. VCF-style: chr18-21403945-C-T. GRCh37 (hg19) VCF-style: chr18-18983906-C-T.
Other names: c.783C>T, p.Thr261= (NM_001410867.1, NM_001410868.1).
Identifiers: ClinVar variation 3030149 (VCV003030149.2), dbSNP rs551864882, ClinGen allele CA296889008.

ClinVar aggregate classification (germline): Likely benign (0 of 4 stars; one submission).

Conditions:
GREB1L-related disorder. Also called: GREB1L-related condition.

Allele frequency attached by ClinVar (database versions not stated): gnomAD exomes below 0.00001; gnomAD 0.00002; TOPMed 0.00003; 1000 Genomes Project 30x 0.00016; 1000 Genomes Project 0.00020.
gnomAD v4.1: 6 of 1,550,886 alleles (0.00039%); highest among the groups gnomAD compares: East Asian, 0.015%; no homozygotes.

Submission:

PreventionGenetics, part of Exact Sciences
Classification: Likely benign for GREB1L-related condition. Last evaluated: 2020-11-11. Review status: no assertion criteria provided. Collection method: clinical testing. Allele origin: germline.
Comment: This variant is classified as likely benign based on ACMG/AMP sequence variant interpretation guidelines (Richards et al. 2015 PMID: 25741868, with internal and published modifications).